The following is an entry in ClinVar:

ClinVar aggregate classification (germline): Uncertain significance. Review status: criteria provided, multiple submitters, no conflicts (2 of 4 stars). 2 submissions from 2 submitters: Uncertain significance (2). Last evaluated 2025-08-30.

Allele frequency attached by ClinVar (database versions not stated): gnomAD exomes 0.00004; TOPMed 0.00008; gnomAD 0.00009; ExAC 0.00010; 1000 Genomes Project 30x 0.00016; 1000 Genomes Project 0.00020.
gnomAD v4.1: 75 of 1,612,894 alleles (0.0047%); highest among the groups gnomAD compares: Middle Eastern, 0.17%; no homozygotes.

Submissions (2):

Ambry Genetics
Classification: Uncertain significance. Last evaluated: 2025-08-30. Review status: criteria provided, single submitter. Criteria: Ambry Variant Classification Scheme 2023. Collection method: clinical testing. Allele origin: germline.

Labcorp Genetics (formerly Invitae), Labcorp
Classification: Uncertain significance. Last evaluated: 2025-04-11. Review status: criteria provided, single submitter. Criteria: Invitae Variant Classification Sherloc (09022015). Collection method: clinical testing. Allele origin: germline.
Comment: This sequence change replaces proline, which is neutral and non-polar, with leucine, which is neutral and non-polar, at codon 887 of the TNS2 protein (p.Pro887Leu). This variant is present in population databases (rs201327076, gnomAD 0.02%). This variant has not been reported in the literature in individuals affected with TNS2-related conditions. ClinVar contains an entry for this variant (Variation ID: 2151206). An algorithm developed to predict the effect of missense changes on protein structure and function (PolyPhen-2) suggests that this variant is likely to be tolerated. In summary, the available evidence is currently insufficient to determine the role of this variant in disease. Therefore, it has been classified as a Variant of Uncertain Significance.

NM_170754.4(TNS2):c.2630C>T (p.Pro877Leu)

Gene: TNS2 (tensin 2; plus strand). Cytogenetic location: 12q13.13.
Variant type: single nucleotide variant.
Coding change: c.2630C>T on transcript NM_170754.4 (MANE Select); coding-DNA position 2630, C replaced by T.
Protein change: p.Pro877Leu; replaces proline 877 with leucine.
Molecular consequence: missense variant.
Genome position (GRCh38, 1-based): chr12:53,060,417, C>T. VCF-style: chr12-53060417-C-T. GRCh37 (hg19) VCF-style: chr12-53454201-C-T.
Other names: c.2630C>T, p.Pro877Leu (NM_001416202.1); c.2588C>T, p.Pro863Leu (NM_001416203.1); c.2657C>T, p.Pro886Leu (NM_001416204.1); c.2561C>T, p.Pro854Leu (NM_015319.3); c.2258C>T, p.Pro753Leu (NM_198316.2); short protein forms P753L, P877L, P887L, P854L, P863L, P886L.
Identifiers: ClinVar variation 2151206 (VCV002151206.6), dbSNP rs201327076, ClinGen allele CA6592645.